The following is an entry in ClinVar:

ClinVar aggregate classification (germline): Uncertain significance. Review status: criteria provided, multiple submitters, no conflicts (2 of 4 stars). 4 submissions from 4 submitters: Uncertain significance (4). Last evaluated 2025-04-22.

Conditions:
Inborn genetic diseases. Identifiers: MedGen C0950123, MeSH D030342.
Intellectual disability, X-linked 49 (MRXSRC). Also called: CLCN4-Related Neurodevelopmental Disorder; MRX49; MENTAL RETARDATION, X-LINKED 15; CLCN4-related X-linked intellectual disability syndrome; RAYNAUD-CLAES SYNDROME. Identifiers: Orphanet 485350, Orphanet 777, MedGen C0796221, MONDO:0010250, OMIM 300114.

Allele frequency attached by ClinVar (database versions not stated): ExAC 0.00002; TOPMed 0.00002; gnomAD 0.00003; gnomAD exomes 0.00003; ESP Exome Variant Server 0.00009.
gnomAD v4.1: 40 of 1,204,044 alleles (0.0033%); highest among the groups gnomAD compares: Non-Finnish European, 0.0038%; no homozygotes.

Submissions (8):

Labcorp Genetics (formerly Invitae), Labcorp
Classification: Uncertain significance. Last evaluated: 2025-04-22. Review status: criteria provided, single submitter. Criteria: Invitae Variant Classification Sherloc (09022015). Collection method: clinical testing. Allele origin: germline.
Comment: This sequence change replaces alanine, which is neutral and non-polar, with valine, which is neutral and non-polar, at codon 4 of the CLCN4 protein (p.Ala4Val). The frequency data for this variant in the population databases is considered unreliable, as metrics indicate poor data quality at this position in the gnomAD database. This variant has not been reported in the literature in individuals affected with CLCN4-related conditions. ClinVar contains an entry for this variant (Variation ID: 853173). An algorithm developed to predict the effect of missense changes on protein structure and function (PolyPhen-2) suggests that this variant is likely to be tolerated. In summary, the available evidence is currently insufficient to determine the role of this variant in disease. Therefore, it has been classified as a Variant of Uncertain Significance.

Ambry Genetics
Classification: Uncertain significance for Inborn genetic diseases. Last evaluated: 2024-07-09. Review status: criteria provided, single submitter. Criteria: Ambry Variant Classification Scheme 2023. Collection method: clinical testing. Allele origin: germline.

Revvity Omics, Revvity
Classification: Uncertain significance for Intellectual disability, X-linked 49. Last evaluated: 2021-06-01. Review status: criteria provided, single submitter. Criteria: ACMG Guidelines, 2015. Collection method: clinical testing. Allele origin: germline.

Blueprint Genetics
Classification: Uncertain significance. Last evaluated: 2021-03-22. Review status: criteria provided, single submitter. Criteria: ACMG Guidelines, 2015. Collection method: clinical testing. Allele origin: germline.

Dr. Peter K. Rogan Lab, Western University
No classification provided (evidence only). Condition: Thyroid cancer, nonmedullary, 1. Review status: no classification provided. Collection method: in vitro. Allele origin: not applicable. Functional consequence: retained intron. Not counted in ClinVar's aggregate classification.

Dr. Peter K. Rogan Lab, Western University
No classification provided (evidence only). Condition: Thyroid cancer, nonmedullary, 1. Review status: no classification provided. Collection method: in vitro. Allele origin: not applicable. Functional consequence: retained intron. Not counted in ClinVar's aggregate classification.

Dr. Peter K. Rogan Lab, Western University
No classification provided (evidence only). Condition: Thyroid cancer, nonmedullary, 1. Review status: no classification provided. Collection method: in vitro. Allele origin: not applicable. Functional consequence: retained intron. Not counted in ClinVar's aggregate classification.

Dr. Peter K. Rogan Lab, Western University
No classification provided (evidence only). Condition: Nonpapillary renal cell carcinoma. Review status: no classification provided. Collection method: in vitro. Allele origin: not applicable. Functional consequence: retained intron. Not counted in ClinVar's aggregate classification.

NM_001830.4(CLCN4):c.11C>T (p.Ala4Val)

Gene: CLCN4 (Cl-/H+ antiporter 4; plus strand). Cytogenetic location: Xp22.2.
Variant type: single nucleotide variant.
Coding change: c.11C>T on transcript NM_001830.4 (MANE Select); coding-DNA position 11, C replaced by T.
Protein change: p.Ala4Val; replaces alanine 4 with valine.
Molecular consequence: missense variant. On other transcripts: intron variant (1).
Genome position (GRCh38, 1-based): chrX:10,185,043, C>T. VCF-style: chrX-10185043-C-T. GRCh37 (hg19) VCF-style: chrX-10153083-C-T.
Other names: c.-38-9868C>T (NM_001256944.2); short protein forms A4V.
Identifiers: ClinVar variation 853173 (VCV000853173.13), dbSNP rs201381518, ClinGen allele CA10346989.